The following is an entry in ClinVar:

ClinVar aggregate classification (germline): Uncertain significance (1 of 4 stars; one submission).

Conditions:
Autosomal recessive limb-girdle muscular dystrophy type 2W (MDRCMTT). Also called: Muscular dystrophy, limb-girdle, type 2W; Muscular dystrophy, autosomal recessive, with cardiomyopathy and triangular tongue. Identifiers: MedGen C4225192, MONDO:0014788, OMIM 616827.

Submission:

Labcorp Genetics (formerly Invitae), Labcorp
Classification: Uncertain significance for Autosomal recessive limb-girdle muscular dystrophy type 2W. Last evaluated: 2023-12-13. Review status: criteria provided, single submitter. Criteria: Invitae Variant Classification Sherloc (09022015). Collection method: clinical testing. Allele origin: germline.
Comment: This sequence change replaces aspartic acid, which is acidic and polar, with glutamic acid, which is acidic and polar, at codon 179 of the LIMS2 protein (p.Asp179Glu). This variant is not present in population databases (gnomAD no frequency). This variant has not been reported in the literature in individuals affected with LIMS2-related conditions. Advanced modeling of protein sequence and biophysical properties (such as structural, functional, and spatial information, amino acid conservation, physicochemical variation, residue mobility, and thermodynamic stability) performed at Invitae indicates that this missense variant is not expected to disrupt LIMS2 protein function with a negative predictive value of 80%. In summary, the available evidence is currently insufficient to determine the role of this variant in disease. Therefore, it has been classified as a Variant of Uncertain Significance.

NM_001161403.3(LIMS2):c.471C>G (p.Asp157Glu)

Gene: LIMS2 (LIM zinc finger domain containing 2; minus strand). Cytogenetic location: 2q14.3.
Variant type: single nucleotide variant.
Coding change: c.471C>G on transcript NM_001161403.3 (MANE Select); coding-DNA position 471, C replaced by G.
Protein change: p.Asp157Glu; replaces aspartic acid 157 with glutamic acid.
Molecular consequence: missense variant.
Genome position (GRCh38, 1-based): chr2:127,642,961, G>C on the plus strand (C>G on the coding strand, the complement: LIMS2 is on the minus strand). VCF-style: chr2-127642961-G-C. GRCh37 (hg19) VCF-style: chr2-128400536-G-C.
Other names: c.537C>G, p.Asp179Glu (NM_001136037.4); c.456C>G, p.Asp152Glu (NM_001161404.2); c.15C>G, p.Asp5Glu (NM_001161405.1, NM_001256542.2); c.543C>G, p.Asp181Glu (NM_017980.5); short protein forms D157E, D152E, D179E, D181E, D5E.
Identifiers: ClinVar variation 2916501 (VCV002916501.3), dbSNP rs761802077, ClinGen allele CA348425800.